The following is an entry in ClinVar:

ClinVar aggregate classification (germline): Uncertain significance. Review status: criteria provided, multiple submitters, no conflicts (2 of 4 stars). 6 submissions from 6 submitters: Uncertain significance (6). Last evaluated 2026-07-07.

Conditions:
Cardiovascular phenotype. Identifiers: MedGen CN230736.
Catecholaminergic polymorphic ventricular tachycardia (CVPT). Also called: Catecholamine-induced polymorphic ventricular tachycardia. Identifiers: Orphanet 3286, MedGen C5574922, MONDO:0017990.
Catecholaminergic polymorphic ventricular tachycardia 1. Also called: VENTRICULAR TACHYCARDIA, STRESS-INDUCED POLYMORPHIC 1; VENTRICULAR TACHYCARDIA, CATECHOLAMINERGIC POLYMORPHIC, 1, WITH OR WITHOUT ATRIAL DYSFUNCTION AND/OR DILATED CARDIOMYOPATHY; RYR2-Related Catecholaminergic Polymorphic Ventricular Tachycardia. Identifiers: Orphanet 3286, MedGen C1631597, MONDO:0011484, OMIM 604772.
Cardiomyopathy (CMYO). Also called: Cardiomyopathies. Identifiers: Orphanet 167848, MedGen C0878544, MONDO:0004994, HP:0001638. Inheritance: Various modes of inheritance.

Allele frequency attached by ClinVar (database versions not stated): TOPMed below 0.00001; ExAC 0.00001; gnomAD exomes 0.00001 and below 0.00001; gnomAD 0.00001.
gnomAD v4.1: 4 of 1,613,800 alleles (0.00025%); highest among the groups gnomAD compares: Admixed American, 0.0017%; no homozygotes.

Submissions (6):

Ambry Genetics
Classification: Uncertain significance for Cardiovascular phenotype. Last evaluated: 2026-07-07. Review status: criteria provided, single submitter. Criteria: Ambry Variant Classification Scheme 2023. Collection method: clinical testing. Allele origin: germline.
Comment: The p.T246I variant (also known as c.737C>T), located in coding exon 10 of the RYR2 gene, results from a C to T substitution at nucleotide position 737. The threonine at codon 246 is replaced by isoleucine, an amino acid with similar properties. This amino acid position is conserved. In addition, the in silico prediction for this alteration is inconclusive. Based on the available evidence, the clinical significance of this variant remains unclear.

All of Us Research Program, National Institutes of Health
Classification: Uncertain significance for Catecholaminergic polymorphic ventricular tachycardia. Last evaluated: 2024-05-30. Review status: criteria provided, single submitter. Criteria: ACMG Guidelines, 2015. Collection method: clinical testing. Allele origin: germline. Inheritance: Autosomal dominant inheritance. Observed: 3 variant alleles, 3 heterozygotes.
Comment: This missense variant replaces threonine with isoleucine at codon 246 of the RYR2 protein. Computational prediction suggests that this variant may have deleterious impact on protein structure and function (internally defined REVEL score threshold >= 0.7, PMID: 27666373). To our knowledge, functional studies have not been reported for this variant. This variant has not been reported in individuals affected with RYR2-related disorders in the literature. This variant has been identified in 3/280466 chromosomes in the general population by the Genome Aggregation Database (gnomAD). The available evidence is insufficient to determine the role of this variant in disease conclusively. Therefore, this variant is classified as a Variant of Uncertain Significance.

This study involves interpretation of variants in research participants for the purpose of population health screening. Participant phenotype was not available at the time of variant classification. Additional details can be found in publication PMID: 35346344, PMCID: PMC8962531

Color Diagnostics, LLC DBA Color Health
Classification: Uncertain significance for Cardiomyopathy. Last evaluated: 2024-03-07. Review status: criteria provided, single submitter. Criteria: ACMG Guidelines, 2015. Collection method: clinical testing. Allele origin: germline.
Comment: This missense variant replaces threonine with isoleucine at codon 246 of the RYR2 protein. Computational prediction suggests that this variant may have deleterious impact on protein structure and function (internally defined REVEL score threshold >= 0.7, PMID: 27666373). To our knowledge, functional studies have not been reported for this variant. This variant has not been reported in individuals affected with RYR2-related disorders in the literature. This variant has been identified in 3/280466 chromosomes in the general population by the Genome Aggregation Database (gnomAD). The available evidence is insufficient to determine the role of this variant in disease conclusively. Therefore, this variant is classified as a Variant of Uncertain Significance.

GeneDx
Classification: Uncertain significance. Last evaluated: 2023-11-13. Review status: criteria provided, single submitter. Criteria: GeneDx Variant Classification Process June 2021. Collection method: clinical testing. Allele origin: germline. Affected: yes.
Comment: Not observed at significant frequency in large population cohorts (gnomAD); In silico analysis supports that this missense variant has a deleterious effect on protein structure/function; Has not been previously published as pathogenic or benign to our knowledge; This variant is associated with the following publications: (PMID: 19926015)

Labcorp Genetics (formerly Invitae), Labcorp
Classification: Uncertain significance for Catecholaminergic polymorphic ventricular tachycardia 1. Last evaluated: 2023-07-08. Review status: criteria provided, single submitter. Criteria: Invitae Variant Classification Sherloc (09022015). Collection method: clinical testing. Allele origin: germline.
Comment: This sequence change replaces threonine, which is neutral and polar, with isoleucine, which is neutral and non-polar, at codon 246 of the RYR2 protein (p.Thr246Ile). This variant is present in population databases (rs757478498, gnomAD 0.003%). This variant has not been reported in the literature in individuals affected with RYR2-related conditions. ClinVar contains an entry for this variant (Variation ID: 834631). Advanced modeling of protein sequence and biophysical properties (such as structural, functional, and spatial information, amino acid conservation, physicochemical variation, residue mobility, and thermodynamic stability) performed at Invitae indicates that this missense variant is expected to disrupt RYR2 protein function. In summary, the available evidence is currently insufficient to determine the role of this variant in disease. Therefore, it has been classified as a Variant of Uncertain Significance.

AiLife Diagnostics
Classification: Uncertain significance. Last evaluated: 2022-01-19. Review status: criteria provided, single submitter. Criteria: ACMG Guidelines, 2015. Collection method: clinical testing. Allele origin: germline. Affected: yes. Observed: 2 variant alleles.

NM_001035.3(RYR2):c.737C>T (p.Thr246Ile)

Gene: RYR2 (ryanodine receptor 2; plus strand). Cytogenetic location: 1q43.
Variant type: single nucleotide variant.
Coding change: c.737C>T on transcript NM_001035.3 (MANE Select); coding-DNA position 737, C replaced by T.
Protein change: p.Thr246Ile; replaces threonine 246 with isoleucine.
Molecular consequence: missense variant.
Genome position (GRCh38, 1-based): chr1:237,388,147, C>T. VCF-style: chr1-237388147-C-T. GRCh37 (hg19) VCF-style: chr1-237551447-C-T.
Other names: short protein forms T246I.
Identifiers: ClinVar variation 834631 (VCV000834631.18), dbSNP rs757478498, ClinGen allele CA087383.